The following is an entry in ClinVar:

NM_153240.5(NPHP3):c.1714T>G (p.Ser572Ala)

Genes: NPHP3 (nephrocystin 3; minus strand), NPHP3-ACAD11 (NPHP3-ACAD11 readthrough (NMD candidate); minus strand). Cytogenetic location: 3q22.1.
Variant type: single nucleotide variant.
Coding change: c.1714T>G on transcript NM_153240.5 (MANE Select); coding-DNA position 1714, T replaced by G.
Protein change: p.Ser572Ala; replaces serine 572 with alanine.
Molecular consequence: missense variant. On other transcripts: non-coding transcript variant (1).
Genome position (GRCh38, 1-based): chr3:132,700,363, A>C on the plus strand (T>G on the coding strand, the complement: NPHP3 is on the minus strand). VCF-style: chr3-132700363-A-C. GRCh37 (hg19) VCF-style: chr3-132419207-A-C.
Other names: short protein forms S572A.
Identifiers: ClinVar variation 964469 (VCV000964469.31), dbSNP rs781274734, ClinGen allele CA2622227.

ClinVar aggregate classification (germline): Conflicting classifications of pathogenicity. Review status: criteria provided, conflicting classifications (1 of 4 stars). 2 submissions from 2 submitters: Uncertain significance (1); Likely benign (1). Last evaluated 2022-11-01.

Conditions:
Nephronophthisis. Also called: Juvenile Nephronophthisis. Identifiers: Orphanet 655, MedGen C0687120, MONDO:0019005, HP:0000090.

Allele frequency attached by ClinVar (database versions not stated): TOPMed 0.00001; ExAC 0.00002; gnomAD 0.00002; gnomAD exomes 0.00003.
gnomAD v4.1: 93 of 1,610,786 alleles (0.0058%); highest among the groups gnomAD compares: Non-Finnish European, 0.0077%; no homozygotes.

Submissions (2):

CeGaT Center for Human Genetics Tuebingen
Classification: Likely benign. Last evaluated: 2022-11-01. Review status: criteria provided, single submitter. Criteria: CeGaT Center For Human Genetics Tuebingen Variant Classification Criteria Version 2. Collection method: clinical testing. Allele origin: germline. Affected: yes. Observed: 1 variant allele.
Comment: NPHP3: BP4

Labcorp Genetics (formerly Invitae), Labcorp
Classification: Uncertain significance for Nephronophthisis. Last evaluated: 2022-08-03. Review status: criteria provided, single submitter. Criteria: Invitae Variant Classification Sherloc (09022015). Collection method: clinical testing. Allele origin: germline.
Comment: This sequence change replaces serine, which is neutral and polar, with alanine, which is neutral and non-polar, at codon 572 of the NPHP3 protein (p.Ser572Ala). This variant is present in population databases (rs781274734, gnomAD 0.006%). This variant has not been reported in the literature in individuals affected with NPHP3-related conditions. ClinVar contains an entry for this variant (Variation ID: 964469). Algorithms developed to predict the effect of missense changes on protein structure and function output the following: SIFT: "Tolerated"; PolyPhen-2: "Benign"; Align-GVGD: "Class C0". The alanine amino acid residue is found in multiple mammalian species, which suggests that this missense change does not adversely affect protein function. In summary, the available evidence is currently insufficient to determine the role of this variant in disease. Therefore, it has been classified as a Variant of Uncertain Significance.